The following is an entry in ClinVar:

NM_001127208.3(TET2):c.3146_3150del (p.Lys1049fs)

Genes: TET2 (tet methylcytosine dioxygenase 2; plus strand), TET2-AS1 (TET2 antisense RNA 1; minus strand). Cytogenetic location: 4q24.
Variant type: Deletion.
Coding change: c.3146_3150del on transcript NM_001127208.3 (MANE Select); coding-DNA positions 3146 to 3150, 5 bases deleted (AATCA; older notation c.3146_3150delAATCA).
Protein change: p.Lys1049fs; shifts the reading frame from lysine 1049.
Molecular consequence: frameshift variant.
Genome position (GRCh38, 1-based): chr4:105,237,088-105,237,092, AATCA deleted; deleting any 5 consecutive bases within chr4:105,237,085-105,237,092 gives the same sequence; the c. name uses the placement nearest the transcript's 3' end. VCF-style (leftmost placement, unchanged base first): chr4-105237084-CTCAAA-C. GRCh37 (hg19) VCF-style: chr4-106158241-CTCAAA-C.
Other names: c.3146_3150del, p.Lys1049fs (NM_017628.4); short protein forms K1049fs.
Identifiers: ClinVar variation 2753092 (VCV002753092.3), dbSNP rs2476508282, ClinGen allele CA2697546852.

ClinVar aggregate classification (germline): Pathogenic (1 of 4 stars; one submission).

Submission:

Labcorp Genetics (formerly Invitae), Labcorp
Classification: Pathogenic. Last evaluated: 2023-08-23. Review status: criteria provided, single submitter. Criteria: Invitae Variant Classification Sherloc (09022015). Collection method: clinical testing. Allele origin: germline.
Comment: This variant is not present in population databases (gnomAD no frequency). For these reasons, this variant has been classified as Pathogenic. This variant has not been reported in the literature in individuals affected with TET2-related conditions. This sequence change creates a premature translational stop signal (p.Lys1049Thrfs*7) in the TET2 gene. It is expected to result in an absent or disrupted protein product. Loss-of-function variants in TET2 are known to be pathogenic (PMID: 36066697).

Literature cited by the submitters: PubMed 36066697.